The following is an entry in ClinVar:

ClinVar aggregate classification (germline): Likely benign. Review status: criteria provided, multiple submitters, no conflicts (2 of 4 stars). 2 submissions from 2 submitters: Likely benign (2). Last evaluated 2023-12-13.

Conditions:
Hypercholesterolemia, autosomal dominant, 3 (FHCL3). Also called: PCSK9-Related Familial Hypercholesterolemia, Autosomal Dominant; Familial Hypercholesterolemia, Autosomal Dominant, 3; Familial hypercholesterolemia 3. Identifiers: MedGen C1863551, MONDO:0011369, OMIM 603776.

Allele frequency attached by ClinVar (database versions not stated): TOPMed below 0.00001; gnomAD 0.00001.
gnomAD v4.1: 1 of 1,556,532 alleles (0.000064%); highest among the groups gnomAD compares: African/African-American, 0.0014%; no homozygotes.

Submissions (2):

All of Us Research Program, National Institutes of Health
Classification: Likely benign for Hypercholesterolemia, autosomal dominant, 3. Last evaluated: 2023-12-13. Review status: criteria provided, single submitter. Criteria: ACMG Guidelines, 2015. Collection method: clinical testing. Allele origin: germline. Inheritance: Autosomal dominant inheritance. Observed: 1 variant allele, 1 heterozygote.
Comment: This study involves interpretation of variants in research participants for the purpose of population health screening. Participant phenotype was not available at the time of variant classification. Additional details can be found in publication PMID: 35346344, PMCID: PMC8962531

Blueprint Genetics
Classification: Likely benign. Last evaluated: 2023-11-14. Review status: criteria provided, single submitter. Criteria: ACMG Guidelines, 2015. Collection method: clinical testing. Allele origin: germline.

NM_174936.4(PCSK9):c.1582C>T (p.Leu528=)

Gene: PCSK9 (proprotein convertase subtilisin/kexin type 9; plus strand). Cytogenetic location: 1p32.3.
Variant type: single nucleotide variant.
Coding change: c.1582C>T on transcript NM_174936.4 (MANE Select); coding-DNA position 1582, C replaced by T.
Protein change: p.Leu528=; no amino-acid change (leucine 528 retained).
Molecular consequence: synonymous variant. On other transcripts: non-coding transcript variant (7), intron variant (1).
Genome position (GRCh38, 1-based): chr1:55,059,564, C>T. VCF-style: chr1-55059564-C-T. GRCh37 (hg19) VCF-style: chr1-55525237-C-T.
Other names: c.1705C>T, p.Leu569= (NM_001407240.1); c.1624C>T, p.Leu542= (NM_001407241.1); c.1585C>T, p.Leu529= (NM_001407242.1); c.1525C>T, p.Leu509= (NM_001407243.1); c.1408C>T, p.Leu470= (NM_001407244.1); c.1390C>T, p.Leu464= (NM_001407245.1); c.1207C>T, p.Leu403= (NM_001407246.1); c.1181-1811C>T (NM_001407247.1).
Identifiers: ClinVar variation 3074937 (VCV003074937.2), dbSNP rs1039803103, ClinGen allele CA22765577.